The following is an entry in ClinVar:

ClinVar aggregate classification (germline): Uncertain significance (1 of 4 stars; one submission).

Submission:

Labcorp Genetics (formerly Invitae), Labcorp
Classification: Uncertain significance. Last evaluated: 2025-07-30. Review status: criteria provided, single submitter. Criteria: Invitae Variant Classification Sherloc (09022015). Collection method: clinical testing. Allele origin: germline.
Comment: This sequence change replaces glutamic acid, which is acidic and polar, with lysine, which is basic and polar, at codon 42 of the NEXMIF protein (p.Glu42Lys). This variant is not present in population databases (gnomAD no frequency). This variant has not been reported in the literature in individuals affected with NEXMIF-related conditions. An algorithm developed to predict the effect of missense changes on protein structure and function (PolyPhen-2) suggests that this variant is likely to be tolerated. In summary, the available evidence is currently insufficient to determine the role of this variant in disease. Therefore, it has been classified as a Variant of Uncertain Significance.

NM_001008537.3(NEXMIF):c.124G>A (p.Glu42Lys)

Gene: NEXMIF (neurite extension and migration factor; minus strand). Cytogenetic location: Xq13.3.
Variant type: single nucleotide variant.
Coding change: c.124G>A on transcript NM_001008537.3 (MANE Select); coding-DNA position 124, G replaced by A.
Protein change: p.Glu42Lys; replaces glutamic acid 42 with lysine.
Molecular consequence: missense variant.
Genome position (GRCh38, 1-based): chrX:74,744,433, C>T on the plus strand (G>A on the coding strand, the complement: NEXMIF is on the minus strand). VCF-style: chrX-74744433-C-T. GRCh37 (hg19) VCF-style: chrX-73964268-C-T.
Other names: short protein forms E42K.
Identifiers: ClinVar variation 4797307 (VCV004797307.1).